The following is an entry in ClinVar:

NM_001035.3(RYR2):c.5645A>G (p.Glu1882Gly)

Gene: RYR2 (ryanodine receptor 2; plus strand). Cytogenetic location: 1q43.
Variant type: single nucleotide variant.
Coding change: c.5645A>G on transcript NM_001035.3 (MANE Select); coding-DNA position 5645, A replaced by G.
Protein change: p.Glu1882Gly; replaces glutamic acid 1882 with glycine.
Molecular consequence: missense variant.
Genome position (GRCh38, 1-based): chr1:237,614,773, A>G. VCF-style: chr1-237614773-A-G. GRCh37 (hg19) VCF-style: chr1-237778073-A-G.
Other names: c.5645A>G (NM_001035.2); short protein forms E1882G.
Identifiers: ClinVar variation 1008646 (VCV001008646.38), dbSNP rs376441643, ClinGen allele CA086924.

ClinVar aggregate classification (germline): Conflicting classifications of pathogenicity. Review status: criteria provided, conflicting classifications (1 of 4 stars). 5 submissions from 5 submitters: Uncertain significance (3); Likely benign (2). Last evaluated 2026-01-16.

Conditions:
Cardiomyopathy (CMYO). Also called: Cardiomyopathies. Identifiers: Orphanet 167848, MedGen C0878544, MONDO:0004994, HP:0001638. Inheritance: Various modes of inheritance.
Cardiovascular phenotype. Identifiers: MedGen CN230736.
Catecholaminergic polymorphic ventricular tachycardia 1. Also called: VENTRICULAR TACHYCARDIA, STRESS-INDUCED POLYMORPHIC 1; RYR2-Related Catecholaminergic Polymorphic Ventricular Tachycardia; VENTRICULAR TACHYCARDIA, CATECHOLAMINERGIC POLYMORPHIC, 1, WITH OR WITHOUT ATRIAL DYSFUNCTION AND/OR DILATED CARDIOMYOPATHY. Identifiers: Orphanet 3286, MedGen C1631597, MONDO:0011484, OMIM 604772.
Catecholaminergic polymorphic ventricular tachycardia (CVPT). Also called: Catecholamine-induced polymorphic ventricular tachycardia. Identifiers: Orphanet 3286, MedGen C5574922, MONDO:0017990.

Allele frequency attached by ClinVar (database versions not stated): gnomAD exomes below 0.00001 and 0.00001; gnomAD 0.00001; ExAC 0.00002; TOPMed 0.00002; ESP Exome Variant Server 0.00008.
gnomAD v4.1: 6 of 1,611,600 alleles (0.00037%); highest among the groups gnomAD compares: Middle Eastern, 0.016%; no homozygotes.

Submissions (5):

Labcorp Genetics (formerly Invitae), Labcorp
Classification: Likely benign for Catecholaminergic polymorphic ventricular tachycardia 1. Last evaluated: 2026-01-16. Review status: criteria provided, single submitter. Criteria: Invitae Variant Classification Sherloc (09022015). Collection method: clinical testing. Allele origin: germline.

Ambry Genetics
Classification: Uncertain significance for Cardiovascular phenotype. Last evaluated: 2026-01-10. Review status: criteria provided, single submitter. Criteria: Ambry Variant Classification Scheme 2023. Collection method: clinical testing. Allele origin: germline.
Comment: The p.E1882G variant (also known as c.5645A>G), located in coding exon 37 of the RYR2 gene, results from an A to G substitution at nucleotide position 5645. The glutamic acid at codon 1882 is replaced by glycine, an amino acid with similar properties. This amino acid position is conserved. In addition, this alteration is predicted to be tolerated by in silico analysis. Based on the available evidence, the clinical significance of this variant remains unclear.

CeGaT Center for Human Genetics Tuebingen
Classification: Likely benign. Last evaluated: 2025-08-01. Review status: criteria provided, single submitter. Criteria: CeGaT Center For Human Genetics Tuebingen Variant Classification Criteria Version 2. Collection method: clinical testing. Allele origin: germline. Affected: yes. Observed: 3 variant alleles.
Comment: RYR2: BP4

All of Us Research Program, National Institutes of Health
Classification: Uncertain significance for Catecholaminergic polymorphic ventricular tachycardia. Last evaluated: 2024-07-20. Review status: criteria provided, single submitter. Criteria: ACMG Guidelines, 2015. Collection method: clinical testing. Allele origin: germline. Inheritance: Autosomal dominant inheritance. Observed: 3 variant alleles, 3 heterozygotes.
Comment: This missense variant replaces glutamic acid with glycine at codon 1882 of the RYR2 protein. Computational prediction suggests that this variant may not impact protein structure and function (internally defined REVEL score threshold <= 0.5, PMID: 27666373). To our knowledge, functional studies have not been reported for this variant. This variant has not been reported in individuals affected with cardiovascular disorders in the literature. This variant has been identified in 3/246976 chromosomes in the general population by the Genome Aggregation Database (gnomAD). The available evidence is insufficient to determine the role of this variant in disease conclusively. Therefore, this variant is classified as a Variant of Uncertain Significance.

This study involves interpretation of variants in research participants for the purpose of population health screening. Participant phenotype was not available at the time of variant classification. Additional details can be found in publication PMID: 35346344, PMCID: PMC8962531

Color Diagnostics, LLC DBA Color Health
Classification: Uncertain significance for Cardiomyopathy. Last evaluated: 2024-03-06. Review status: criteria provided, single submitter. Criteria: ACMG Guidelines, 2015. Collection method: clinical testing. Allele origin: germline.
Comment: This missense variant replaces glutamic acid with glycine at codon 1882 of the RYR2 protein. Computational prediction suggests that this variant may not impact protein structure and function (internally defined REVEL score threshold <= 0.5, PMID: 27666373). To our knowledge, functional studies have not been reported for this variant. This variant has not been reported in individuals affected with cardiovascular disorders in the literature. This variant has been identified in 3/246976 chromosomes in the general population by the Genome Aggregation Database (gnomAD). The available evidence is insufficient to determine the role of this variant in disease conclusively. Therefore, this variant is classified as a Variant of Uncertain Significance.